The following is an entry in ClinVar:

ClinVar aggregate classification (germline): Benign (1 of 4 stars; one submission).

Conditions:
Familial cancer of breast. Also called: Hereditary breast cancer; BREAST CANCER, FAMILIAL; hereditary breast carcinoma. Identifiers: Orphanet 227535, MedGen C0346153, MONDO:0016419, OMIM 114480. Disease mechanism: loss of function.

Submission:

Myriad Genetics, Inc.
Classification: Benign for Familial cancer of breast. Last evaluated: 2024-10-03. Review status: criteria provided, single submitter. Criteria: Myriad Autosomal Dominant, Autosomal Recessive and X-Linked Classification Criteria (2023). Collection method: clinical testing. Allele origin: unknown.
Comment: This variant is considered benign. This variant is a silent/synonymous amino acid change and it is not expected to impact splicing.

NM_007194.4(CHEK2):c.738A>G (p.Val246=)

Gene: CHEK2 (checkpoint kinase 2; minus strand). Cytogenetic location: 22q12.1.
Variant type: single nucleotide variant.
Coding change: c.738A>G on transcript NM_007194.4 (MANE Select); coding-DNA position 738, A replaced by G.
Protein change: p.Val246=; no amino-acid change (valine 246 retained).
Molecular consequence: synonymous variant.
Genome position (GRCh38, 1-based): chr22:28,711,963, T>C on the plus strand (A>G on the coding strand, the complement: CHEK2 is on the minus strand). VCF-style: chr22-28711963-T-C. GRCh37 (hg19) VCF-style: chr22-29107951-T-C.
Other names: c.867A>G, p.Val289= (NM_001005735.3); c.75A>G, p.Val25= (NM_001257387.3); c.537A>G, p.Val179= (NM_001349956.3); c.738A>G, p.Val246= (NM_145862.3).
Identifiers: ClinVar variation 3773448 (VCV003773448.1).